The following is an entry in ClinVar:

NM_174936.4(PCSK9):c.67_92del (p.Leu23fs)

Gene: PCSK9 (proprotein convertase subtilisin/kexin type 9; plus strand). Cytogenetic location: 1p32.3.
Variant type: Deletion.
Coding change: c.67_92del on transcript NM_174936.4 (MANE Select); coding-DNA positions 67 to 92, 26 bases deleted (CTGGGTCCCGCGGGCGCCCGTGCGCA).
Protein change: p.Leu23fs; shifts the reading frame from leucine 23.
Molecular consequence: frameshift variant. On other transcripts: 5 prime UTR variant (1), non-coding transcript variant (8).
Genome position (GRCh38, 1-based): chr1:55,039,904-55,039,929, CTGGGTCCCGCGGGCGCCCGTGCGCA deleted. VCF-style (leftmost placement, unchanged base first): chr1-55039903-CCTGGGTCCCGCGGGCGCCCGTGCGCA-C. GRCh37 (hg19) VCF-style: chr1-55505576-CCTGGGTCCCGCGGGCGCCCGTGCGCA-C.
Other names: c.67_92del, p.Leu23fs (NM_001407240.1, NM_001407241.1, NM_001407242.1 and 4 more transcripts); c.-668_-643del (NM_001407246.1); short protein forms L23fs.
Identifiers: ClinVar variation 2774031 (VCV002774031.3), dbSNP rs2523163716, ClinGen allele CA2697552434.

ClinVar aggregate classification (germline): Likely benign. Review status: criteria provided, multiple submitters, no conflicts (2 of 4 stars). 2 submissions from 2 submitters: Likely benign (2). Last evaluated 2023-10-02.

Conditions:
Hypercholesterolemia, autosomal dominant, 3 (FHCL3). Also called: Familial Hypercholesterolemia, Autosomal Dominant, 3; PCSK9-Related Familial Hypercholesterolemia, Autosomal Dominant; Familial hypercholesterolemia 3. Identifiers: MedGen C1863551, MONDO:0011369, OMIM 603776.
Familial hypercholesterolemia. Also called: Familial hypercholesterolemias; Familial hypercholesterolaemia. Identifiers: MedGen C0020445, MONDO:0005439.

Submissions (2):

All of Us Research Program, National Institutes of Health
Classification: Likely benign for Hypercholesterolemia, autosomal dominant, 3. Last evaluated: 2023-10-02. Review status: criteria provided, single submitter. Criteria: ACMG Guidelines, 2015. Collection method: clinical testing. Allele origin: germline. Inheritance: Autosomal dominant inheritance. Observed: 1 variant allele, 1 heterozygote.
Comment: This study involves interpretation of variants in research participants for the purpose of population health screening. Participant phenotype was not available at the time of variant classification. Additional details can be found in publication PMID: 35346344, PMCID: PMC8962531

Color Diagnostics, LLC DBA Color Health
Classification: Likely benign for Familial hypercholesterolemia. Last evaluated: 2023-08-16. Review status: criteria provided, single submitter. Criteria: ACMG Guidelines, 2015. Collection method: clinical testing. Allele origin: germline.